The following is an entry in ClinVar:

NM_170754.4(TNS2):c.1492T>C (p.Ser498Pro)

Gene: TNS2 (tensin 2; plus strand). Cytogenetic location: 12q13.13.
Variant type: single nucleotide variant.
Coding change: c.1492T>C on transcript NM_170754.4 (MANE Select); coding-DNA position 1492, T replaced by C.
Protein change: p.Ser498Pro; replaces serine 498 with proline.
Molecular consequence: missense variant.
Genome position (GRCh38, 1-based): chr12:53,059,133, T>C. VCF-style: chr12-53059133-T-C. GRCh37 (hg19) VCF-style: chr12-53452917-T-C.
Other names: c.1492T>C, p.Ser498Pro (NM_001416202.1); c.1450T>C, p.Ser484Pro (NM_001416203.1); c.1519T>C, p.Ser507Pro (NM_001416204.1); c.1423T>C, p.Ser475Pro (NM_015319.3); c.1120T>C, p.Ser374Pro (NM_198316.2); short protein forms S374P, S475P, S484P, S498P, S507P.
Identifiers: ClinVar variation 3034945 (VCV003034945.4), dbSNP rs146363137, ClinGen allele CA6592387.
Genomic context (GRCh38, chr12:53,059,133, plus strand): 5'-CTGGATGGCAGTCCTTATGCCCAGGTGCAGCGGCCTCCCCGGCAGACCCCCCCGGCACCC[T>C]CTCCAGAGCCTCCACCACCCCCCATGCTCTCTGTCAGCAGCGACTCAGGCCATTCCTCCA-3'
Protein context (NP_736610.2, residues 488-508): RPPRQTPPAP[Ser498Pro]PEPPPPPMLS

ClinVar aggregate classification (germline): Likely benign. Review status: criteria provided, single submitter (1 of 4 stars). 2 submissions from 2 submitters: Likely benign (1). 1 of the submissions does not count toward it. Last evaluated 2025-07-04.

Conditions:
TNS2-related disorder. Also called: TNS2-related condition.

Allele frequency attached by ClinVar (database versions not stated): 1000 Genomes Project 0.00100; ExAC 0.00161; 1000 Genomes Project 30x 0.00078; ESP Exome Variant Server 0.00069; gnomAD 0.00111; gnomAD exomes 0.00115.
gnomAD v4.1: 1,801 of 1,583,114 alleles (0.11%); highest among the groups gnomAD compares: Non-Finnish European, 0.12%; 4 homozygotes.

Submissions (2):

Labcorp Genetics (formerly Invitae), Labcorp
Classification: Likely benign. Last evaluated: 2025-07-04. Review status: criteria provided, single submitter. Criteria: Invitae Variant Classification Sherloc (09022015). Collection method: clinical testing. Allele origin: germline.

PreventionGenetics, part of Exact Sciences
Classification: Likely benign for TNS2-related condition. Last evaluated: 2022-09-19. Review status: no assertion criteria provided. Collection method: clinical testing. Allele origin: germline. Not counted in ClinVar's aggregate classification.
Comment: This variant is classified as likely benign based on ACMG/AMP sequence variant interpretation guidelines (Richards et al. 2015 PMID: 25741868, with internal and published modifications).